The following is an entry in ClinVar:

ClinVar aggregate classification (germline): Likely pathogenic (1 of 4 stars; one submission).

Conditions:
3-methylglutaconic aciduria, type VIIB (MGCA7B). Also called: 3-methylglutaconic aciduria with cataracts, neurologic involvement and neutropenia; 3-methylglutaconic aciduria, type VII, with cataracts, neurologic involvement and neutropenia; CLPB Deficiency. Identifiers: Orphanet 445038, MedGen C5676893, MONDO:0014561, OMIM 616271.

gnomAD v4.1: 10 of 1,613,930 alleles (0.00062%); highest among the groups gnomAD compares: Non-Finnish European, 0.00085%; no homozygotes.

Submission:

Genetics Laboratory, Department of Biology, Semnan University
Classification: Likely pathogenic for 3-methylglutaconic aciduria, type VIIB. Last evaluated: 2018-07-23. Review status: criteria provided, single submitter. Criteria: ACMG Guidelines, 2015. Collection method: research. Allele origin: germline. Inheritance: Autosomal recessive inheritance. Affected: yes. Observed: 1 variant allele, 1 homozygote.
Comment: The identified variant leads to the substitution of lisoleucin 489 with Threonine (L489F) in the CLPB protein. Hence, this substitution could alter the amino acid sequence and could leads to a decreased function of mutated protein.

Literature cited by the submitters: DOI 10.1136/jmedgenet-2014-102952.

NM_001258392.3(CLPB):c.1553T>C (p.Ile518Thr)

Gene: CLPB (ClpB family mitochondrial disaggregase; minus strand). Cytogenetic location: 11q13.4.
Variant type: single nucleotide variant.
Coding change: c.1553T>C on transcript NM_001258392.3 (MANE Select); coding-DNA position 1553, T replaced by C.
Protein change: p.Ile518Thr; replaces isoleucine 518 with threonine.
Molecular consequence: missense variant.
Genome position (GRCh38, 1-based): chr11:72,294,627, A>G on the plus strand (T>C on the coding strand, the complement: CLPB is on the minus strand). VCF-style: chr11-72294627-A-G. GRCh37 (hg19) VCF-style: chr11-72005671-A-G.
Other names: c.1466T>C, p.Ile489Thr (NM_001258393.3); c.1508T>C, p.Ile503Thr (NM_001258394.3); c.1643T>C, p.Ile548Thr (NM_030813.6); short protein forms I489T, I503T, I518T, I548T.
Identifiers: ClinVar variation 4886897 (VCV004886897.1).